The following is an entry in ClinVar:

NM_001371279.1(REEP1):c.16A>C (p.Ile6Leu)

Gene: REEP1 (receptor accessory protein 1; minus strand). Cytogenetic location: 2p11.2.
Variant type: single nucleotide variant.
Coding change: c.16A>C on transcript NM_001371279.1 (MANE Select); coding-DNA position 16, A replaced by C.
Protein change: p.Ile6Leu; replaces isoleucine 6 with leucine.
Molecular consequence: missense variant. On other transcripts: intron variant (1).
Genome position (GRCh38, 1-based): chr2:86,337,495, T>G on the plus strand (A>C on the coding strand, the complement: REEP1 is on the minus strand). VCF-style: chr2-86337495-T-G. GRCh37 (hg19) VCF-style: chr2-86564618-T-G.
Other names: c.8A>C, p.His3Pro (NM_001164731.2); c.16A>C, p.Ile6Leu (NM_001164732.2, NM_001371280.1, NM_022912.3); c.53+529A>C (NM_001164730.2); c.16A>C (NM_022912.2); short protein forms H3P, I6L.
Identifiers: ClinVar variation 1000614 (VCV001000614.9), dbSNP rs1681106072, ClinGen allele CA347725514.
Genomic context (GRCh38, chr2:86,337,495, plus strand): 5'-GGGGAGGGAGGGGACGGAGGGGCGCGGGGGAGAAGGCCACTTACACCACCAGCCTGGAGA[T>G]GATCCATGACACCATGGCGGGCAGGCGGGCGGGCGAGGCCCGGGCGGCGCGGCTCGGCTA-3'
Protein context (NP_001358208.1, residues 1-16): MVSWI[Ile6Leu]SRLVVLIFGT

ClinVar aggregate classification (germline): Uncertain significance. Review status: criteria provided, multiple submitters, no conflicts (2 of 4 stars). 2 submissions from 2 submitters: Uncertain significance (2). Last evaluated 2025-12-08.

Conditions:
Inborn genetic diseases. Identifiers: MedGen C0950123, MeSH D030342.
Hereditary spastic paraplegia 31. Also called: SPASTIC PARAPLEGIA 31, AUTOSOMAL DOMINANT. Identifiers: Orphanet 101011, MedGen C1853247, MONDO:0012453, OMIM 610250.

Submissions (2):

Ambry Genetics
Classification: Uncertain significance for Inborn genetic diseases. Last evaluated: 2025-12-08. Review status: criteria provided, single submitter. Criteria: Ambry Variant Classification Scheme 2023. Collection method: clinical testing. Allele origin: germline.

Labcorp Genetics (formerly Invitae), Labcorp
Classification: Uncertain significance for Hereditary spastic paraplegia 31. Last evaluated: 2024-10-09. Review status: criteria provided, single submitter. Criteria: Invitae Variant Classification Sherloc (09022015). Collection method: clinical testing. Allele origin: germline.
Comment: This sequence change replaces isoleucine, which is neutral and non-polar, with leucine, which is neutral and non-polar, at codon 6 of the REEP1 protein (p.Ile6Leu). This variant is not present in population databases (gnomAD no frequency). This variant has not been reported in the literature in individuals affected with REEP1-related conditions. ClinVar contains an entry for this variant (Variation ID: 1000614). An algorithm developed to predict the effect of missense changes on protein structure and function (PolyPhen-2) suggests that this variant is likely to be tolerated. In summary, the available evidence is currently insufficient to determine the role of this variant in disease. Therefore, it has been classified as a Variant of Uncertain Significance.